The following is an entry in ClinVar:

NM_001148.6(ANK2):c.693+4C>T

Gene: ANK2 (ankyrin 2; plus strand). Cytogenetic location: 4q26.
Variant type: single nucleotide variant.
Coding change: c.693+4C>T on transcript NM_001148.6 (MANE Select); 4 bases into the intron after coding-DNA position 693, C replaced by T.
Molecular consequence: intron variant.
Genome position (GRCh38, 1-based): chr4:113,237,626, C>T. VCF-style: chr4-113237626-C-T. GRCh37 (hg19) VCF-style: chr4-114158782-C-T.
Other names: c.681+4C>T (NM_001386186.2, NM_001386148.2, NM_001354269.3); c.657+454C>T (NM_001386187.2); c.651+454C>T (NM_001386147.1, NM_001386160.1, NM_001354261.2); c.630+4C>T (NM_001354254.2, NM_001354239.2, NM_001354252.2 and 14 more transcripts); c.606+454C>T (NM_001354249.2, NM_001354266.2, NM_001354276.2 and 16 more transcripts); c.738+4C>T (NM_001354241.2, NM_001386152.1, NM_001354237.2 and 5 more transcripts); c.693+4C>T (NM_001354225.2, NM_001354235.2, NM_001354246.2 and 9 more transcripts); c.744+4C>T (NM_001386174.1); and 1 more.
Identifiers: ClinVar variation 1043450 (VCV001043450.5), dbSNP rs2099393751, ClinGen allele CA2499217051.
Genomic context (GRCh38, chr4:113,237,626, plus strand): 5'-CTTCCCTCTTTCTTCCAAACAACACTGCTTCAGATGATGGTGAATAGGACAACTGAGGTA[C>T]AGTATTGTGGTTATACCAAAATTTACCTTGTCTTTATTTTTAGTTTTTGCCCAATTGGAA-3'

ClinVar aggregate classification (germline): Uncertain significance (1 of 4 stars; one submission).

Conditions:
Long QT syndrome (LQTS). Identifiers: MedGen C0023976, MeSH D008133, MONDO:0002442. Disease mechanism: loss of function. Inheritance: Various modes of inheritance.

Submission:

Labcorp Genetics (formerly Invitae), Labcorp
Classification: Uncertain significance for Long QT syndrome. Last evaluated: 2022-07-26. Review status: criteria provided, single submitter. Criteria: Invitae Variant Classification Sherloc (09022015). Collection method: clinical testing. Allele origin: germline.
Comment: In summary, the available evidence is currently insufficient to determine the role of this variant in disease. Therefore, it has been classified as a Variant of Uncertain Significance. Variants that disrupt the consensus splice site are a relatively common cause of aberrant splicing (PMID: 17576681, 9536098). Algorithms developed to predict the effect of sequence changes on RNA splicing suggest that this variant is not likely to affect RNA splicing. ClinVar contains an entry for this variant (Variation ID: 1043450). This variant has not been reported in the literature in individuals affected with ANK2-related conditions. This variant is not present in population databases (gnomAD no frequency). This sequence change falls in intron 7 of the ANK2 gene. It does not directly change the encoded amino acid sequence of the ANK2 protein. It affects a nucleotide within the consensus splice site.

Literature cited by the submitters: PubMed 17576681; PubMed 9536098.